The following is an entry in ClinVar:

ClinVar aggregate classification (germline): Uncertain significance (1 of 4 stars; one submission).

Submission:

GeneDx
Classification: Uncertain significance. Last evaluated: 2025-10-13. Review status: criteria provided, single submitter. Criteria: GeneDx Variant Classification Process June 2021. Collection method: clinical testing. Allele origin: germline.
Comment: Not observed at significant frequency in large population cohorts (gnomAD); In silico analysis supports that this missense variant has a deleterious effect on protein structure/function; Has not been previously published as pathogenic or benign to our knowledge

NM_001393504.1(MAST3):c.605A>T (p.Asn202Ile)

Gene: MAST3 (microtubule associated serine/threonine kinase 3; plus strand). Cytogenetic location: 19p13.11.
Variant type: single nucleotide variant.
Coding change: c.605A>T on transcript NM_001393504.1 (MANE Select); coding-DNA position 605, A replaced by T.
Protein change: p.Asn202Ile; replaces asparagine 202 with isoleucine.
Molecular consequence: missense variant.
Genome position (GRCh38, 1-based): chr19:18,123,627, A>T. VCF-style: chr19-18123627-A-T. GRCh37 (hg19) VCF-style: chr19-18234437-A-T.
Other names: c.608A>T, p.Asn203Ile (NM_001393502.1); c.605A>T, p.Asn202Ile (NM_001393503.1); c.602A>T, p.Asn201Ile (NM_001393505.1); c.557A>T, p.Asn186Ile (NM_001393506.1, NM_001393513.1); c.584A>T, p.Asn195Ile (NM_001393507.1); c.539A>T, p.Asn180Ile (NM_001393508.1, NM_001393516.1); c.536A>T, p.Asn179Ile (NM_001393509.1, NM_001393510.1, NM_001393512.1 and 2 more transcripts); c.533A>T, p.Asn178Ile (NM_001393511.1, NM_001393519.1); and 4 more; short protein forms N164I, N172I, N173I, N178I, N179I, N180I, N186I, N195I.
Identifiers: ClinVar variation 4074500 (VCV004074500.2).